The following is an entry in ClinVar:

NM_001083961.2(WDR62):c.3469G>A (p.Ala1157Thr)

Gene: WDR62 (WD repeat domain 62; plus strand). Cytogenetic location: 19q13.12.
Variant type: single nucleotide variant.
Coding change: c.3469G>A on transcript NM_001083961.2 (MANE Select); coding-DNA position 3469, G replaced by A.
Protein change: p.Ala1157Thr; replaces alanine 1157 with threonine.
Molecular consequence: missense variant.
Genome position (GRCh38, 1-based): chr19:36,103,162, G>A. VCF-style: chr19-36103162-G-A. GRCh37 (hg19) VCF-style: chr19-36594064-G-A.
Other names: c.3454G>A, p.Ala1152Thr (NM_173636.5); short protein forms A1152T, A1157T.
Identifiers: ClinVar variation 1336504 (VCV001336504.12), dbSNP rs144347678, ClinGen allele CA9396299.

ClinVar aggregate classification (germline): Uncertain significance. Review status: criteria provided, multiple submitters, no conflicts (2 of 4 stars). 4 submissions from 4 submitters: Uncertain significance (4). Last evaluated 2022-02-24.

Conditions:
Inborn genetic diseases. Identifiers: MedGen C0950123, MeSH D030342.
Microcephaly 2, primary, autosomal recessive, with or without cortical malformations. Also called: WDR62 Primary Microcephaly; MICROCEPHALY 2, PRIMARY, AUTOSOMAL RECESSIVE, WITH CORTICAL MALFORMATIONS. Identifiers: Orphanet 2512, MedGen C1858535, MONDO:0011435, OMIM 604317.

Allele frequency attached by ClinVar (database versions not stated): gnomAD exomes 0.00001 and 0.00005; gnomAD 0.00002 and 0.00003; TOPMed 0.00003; ESP Exome Variant Server 0.00008; ExAC 0.00009.
gnomAD v4.1: 24 of 1,613,892 alleles (0.0015%); highest among the groups gnomAD compares: Admixed American, 0.0033%; no homozygotes.

Submissions (4):

Ambry Genetics
Classification: Uncertain significance for Inborn genetic diseases. Last evaluated: 2022-02-24. Review status: criteria provided, single submitter. Criteria: Ambry Variant Classification Scheme 2023. Collection method: clinical testing. Allele origin: germline.

Revvity Omics, Revvity
Classification: Uncertain significance for Microcephaly 2, primary, autosomal recessive, with or without cortical malformations. Last evaluated: 2022-01-31. Review status: criteria provided, single submitter. Criteria: ACMG Guidelines, 2015. Collection method: clinical testing. Allele origin: germline.

Labcorp Genetics (formerly Invitae), Labcorp
Classification: Uncertain significance. Last evaluated: 2022-01-28. Review status: criteria provided, single submitter. Criteria: Invitae Variant Classification Sherloc (09022015). Collection method: clinical testing. Allele origin: germline.
Comment: Algorithms developed to predict the effect of missense changes on protein structure and function output the following: SIFT: "Tolerated"; PolyPhen-2: "Benign"; Align-GVGD: "Class C0". The threonine amino acid residue is found in multiple mammalian species, which suggests that this missense change does not adversely affect protein function. This variant has not been reported in the literature in individuals affected with WDR62-related conditions. In summary, the available evidence is currently insufficient to determine the role of this variant in disease. Therefore, it has been classified as a Variant of Uncertain Significance. This sequence change replaces alanine, which is neutral and non-polar, with threonine, which is neutral and polar, at codon 1157 of the WDR62 protein (p.Ala1157Thr). This variant is present in population databases (rs144347678, gnomAD 0.009%).

Genetic Services Laboratory, University of Chicago
Classification: Uncertain significance. Last evaluated: 2018-01-23. Review status: criteria provided, single submitter. Criteria: ACMG Guidelines, 2015. Collection method: clinical testing. Allele origin: germline. Affected: no.